The following is an entry in ClinVar:

NM_001005373.4(LRSAM1):c.1629del (p.Arg543fs)

Gene: LRSAM1 (leucine rich repeat and sterile alpha motif containing 1; plus strand). Cytogenetic location: 9q33.3.
Variant type: Deletion.
Coding change: c.1629del on transcript NM_001005373.4 (MANE Select); coding-DNA position 1629, one base deleted (G; older notation c.1629delG).
Protein change: p.Arg543fs; shifts the reading frame from arginine 543.
Molecular consequence: frameshift variant. On other transcripts: non-coding transcript variant (2), intron variant (1).
Genome position (GRCh38, 1-based): chr9:127,495,349, G deleted; the last of 2 consecutive G bases (chr9:127,495,348-127,495,349); deleting either gives the same sequence. VCF-style (leftmost placement, unchanged base first): chr9-127495347-AG-A. GRCh37 (hg19) VCF-style: chr9-130257626-AG-A.
Other names: c.1629del, p.Arg543fs (NM_001005374.4, NM_001384142.1, NM_138361.5); c.1548del, p.Arg516fs (NM_001190723.3); c.840del, p.Arg280fs (NM_001384144.1); c.1600-615del (NM_001384143.1); short protein forms R280fs, R516fs, R543fs.
Identifiers: ClinVar variation 1709786 (VCV001709786.2), dbSNP rs2539442748, ClinGen allele CA2580079548.

ClinVar aggregate classification (germline): Likely pathogenic (1 of 4 stars; one submission).

Conditions:
Charcot-Marie-Tooth disease axonal type 2P. Also called: CHARCOT-MARIE-TOOTH DISEASE, AXONAL, TYPE 2G; CMT 2G; CHARCOT-MARIE-TOOTH NEUROPATHY, TYPE 2P; Charcot-Marie-Tooth Neuropathy Type 2G. Identifiers: Orphanet 300319, Orphanet 99941, MedGen C3280797, MONDO:0013753, OMIM 614436.

Submission:

MGZ Medical Genetics Center
Classification: Likely pathogenic for Charcot-Marie-Tooth disease axonal type 2P. Last evaluated: 2021-11-19. Review status: criteria provided, single submitter. Criteria: ACMG Guidelines, 2015. Collection method: clinical testing. Allele origin: germline. Affected: yes. Observed: 1 variant allele.
Comment: ACMG criteria applied: PVS1, PM2_SUP